The following is an entry in ClinVar:

NM_153704.6(TMEM67):c.887G>A (p.Trp296Ter)

Gene: TMEM67 (transmembrane protein 67; plus strand). Cytogenetic location: 8q22.1.
Variant type: single nucleotide variant.
Coding change: c.887G>A on transcript NM_153704.6 (MANE Select); coding-DNA position 887, G replaced by A.
Protein change: p.Trp296Ter; replaces tryptophan 296 with a stop codon.
Molecular consequence: nonsense. On other transcripts: non-coding transcript variant (1).
Genome position (GRCh38, 1-based): chr8:93,780,891, G>A. VCF-style: chr8-93780891-G-A. GRCh37 (hg19) VCF-style: chr8-94793119-G-A.
Other names: c.644G>A, p.Trp215Ter (NM_001142301.1); short protein forms W215*, W296*.
Identifiers: ClinVar variation 419632 (VCV000419632.2), dbSNP rs1064794003, ClinGen allele CA16618720.

ClinVar aggregate classification (germline): Pathogenic (1 of 4 stars; one submission).

Allele frequency attached by ClinVar (database versions not stated): gnomAD exomes 0.00001.
gnomAD v4.1: 7 of 1,611,726 alleles (0.00043%); highest among the groups gnomAD compares: Non-Finnish European, 0.00059%; no homozygotes.

Submission:

GeneDx
Classification: Pathogenic. Last evaluated: 2015-09-01. Review status: criteria provided, single submitter. Criteria: GeneDx Variant Classification (06012015). Collection method: clinical testing. Allele origin: germline. Affected: yes.
Comment: The W296X pathogenic variant in the TMEM67 gene has not been reported previously as a pathogenicvariant nor as a benign variant, to our knowledge. This variant is predicted to cause loss of normal proteinfunction either through protein truncation or nonsense-mediated mRNA decay. The W296X variant wasnot observed in approximately 6,500 individuals of European and African American ancestry in the NHLBIExome Sequencing Project, indicating it is not a common benign variant in these populations. We interpretW296X as a pathogenic variant.